The following is an entry in ClinVar:

NM_024529.5(CDC73):c.1387G>A (p.Asp463Asn)

Gene: CDC73 (cell division cycle 73; plus strand). Cytogenetic location: 1q31.2.
Variant type: single nucleotide variant.
Coding change: c.1387G>A on transcript NM_024529.5 (MANE Select); coding-DNA position 1387, G replaced by A.
Protein change: p.Asp463Asn; replaces aspartic acid 463 with asparagine.
Molecular consequence: missense variant.
Genome position (GRCh38, 1-based): chr1:193,236,326, G>A. VCF-style: chr1-193236326-G-A. GRCh37 (hg19) VCF-style: chr1-193205456-G-A.
Other names: short protein forms D463N.
Identifiers: ClinVar variation 2743178 (VCV002743178.4), dbSNP rs1677757299, ClinGen allele CA344078249.

ClinVar aggregate classification (germline): Uncertain significance. Review status: criteria provided, multiple submitters, no conflicts (2 of 4 stars). 2 submissions from 2 submitters: Uncertain significance (2). Last evaluated 2025-11-19.

Conditions:
Parathyroid carcinoma (PRTC). Also called: CDC73-Related Parathyroid Carcinoma; Parathyroid gland carcinoma. Identifiers: Orphanet 143, MedGen C0687150, MONDO:0012004, OMIM 608266, HP:0006780.
Hereditary cancer-predisposing syndrome. Also called: Hereditary Cancer Syndrome; Neoplastic Syndromes, Hereditary; Hereditary neoplastic syndrome; Tumor predisposition. Identifiers: Orphanet 140162, MedGen C0027672, MeSH D009386, MONDO:0015356.

Submissions (2):

Labcorp Genetics (formerly Invitae), Labcorp
Classification: Uncertain significance for Parathyroid carcinoma. Last evaluated: 2025-11-19. Review status: criteria provided, single submitter. Criteria: Invitae Variant Classification Sherloc (09022015). Collection method: clinical testing. Allele origin: germline.
Comment: This sequence change replaces aspartic acid, which is acidic and polar, with asparagine, which is neutral and polar, at codon 463 of the CDC73 protein (p.Asp463Asn). This variant is not present in population databases (gnomAD no frequency). This variant has not been reported in the literature in individuals affected with CDC73-related conditions. ClinVar contains an entry for this variant (Variation ID: 2743178). An algorithm developed to predict the effect of missense changes on protein structure and function (PolyPhen-2) suggests that this variant is likely to be tolerated. In summary, the available evidence is currently insufficient to determine the role of this variant in disease. Therefore, it has been classified as a Variant of Uncertain Significance.

Ambry Genetics
Classification: Uncertain significance for Hereditary cancer-predisposing syndrome. Last evaluated: 2023-12-04. Review status: criteria provided, single submitter. Criteria: Ambry Variant Classification Scheme 2023. Collection method: clinical testing. Allele origin: germline.
Comment: The p.D463N variant (also known as c.1387G>A), located in coding exon 15 of the CDC73 gene, results from a G to A substitution at nucleotide position 1387. The aspartic acid at codon 463 is replaced by asparagine, an amino acid with highly similar properties. This amino acid position is conserved. In addition, this alteration is predicted to be tolerated by in silico analysis. Since supporting evidence is limited at this time, the clinical significance of this alteration remains unclear.